The following is an entry in ClinVar:

ClinVar aggregate classification (germline): Uncertain significance (1 of 4 stars; one submission).

Conditions:
Cutis laxa, autosomal dominant 3 (ADCL3). Identifiers: Orphanet 90348, MedGen C4225268, MONDO:0014706, OMIM 616603.
Autosomal dominant spastic paraplegia type 9. Identifiers: MedGen C1832669, MONDO:0015091.
de Barsy syndrome. Also called: Cutis laxa-corneal clouding-oligophrenia syndrome. Identifiers: Orphanet 2962, MedGen C0268354, MONDO:0017569.

Submission:

Labcorp Genetics (formerly Invitae), Labcorp
Classification: Uncertain significance for Autosomal dominant spastic paraplegia type 9; de Barsy syndrome; Cutis laxa, autosomal dominant 3. Last evaluated: 2025-08-05. Review status: criteria provided, single submitter. Criteria: Invitae Variant Classification Sherloc (09022015). Collection method: clinical testing. Allele origin: germline.
Comment: This sequence change replaces valine, which is neutral and non-polar, with methionine, which is neutral and non-polar, at codon 576 of the ALDH18A1 protein (p.Val576Met). This variant is not present in population databases (gnomAD no frequency). This variant has not been reported in the literature in individuals affected with ALDH18A1-related conditions. Invitae Evidence Modeling of protein sequence and biophysical properties (such as structural, functional, and spatial information, amino acid conservation, physicochemical variation, residue mobility, and thermodynamic stability) indicates that this missense variant is expected to disrupt ALDH18A1 protein function with a positive predictive value of 95%. In summary, the available evidence is currently insufficient to determine the role of this variant in disease. Therefore, it has been classified as a Variant of Uncertain Significance.

NM_002860.4(ALDH18A1):c.1726G>A (p.Val576Met)

Gene: ALDH18A1 (aldehyde dehydrogenase 18 family member A1; minus strand). Cytogenetic location: 10q24.1.
Variant type: single nucleotide variant.
Coding change: c.1726G>A on transcript NM_002860.4 (MANE Select); coding-DNA position 1726, G replaced by A.
Protein change: p.Val576Met; replaces valine 576 with methionine.
Molecular consequence: missense variant.
Genome position (GRCh38, 1-based): chr10:95,614,041, C>T on the plus strand (G>A on the coding strand, the complement: ALDH18A1 is on the minus strand). VCF-style: chr10-95614041-C-T. GRCh37 (hg19) VCF-style: chr10-97373798-C-T.
Other names: c.1720G>A, p.Val574Met (NM_001017423.2, NM_001323415.2); c.1393G>A, p.Val465Met (NM_001323412.2, NM_001323416.2); c.1726G>A, p.Val576Met (NM_001323413.2, NM_001323414.2); c.1621G>A, p.Val541Met (NM_001323417.2); c.1387G>A, p.Val463Met (NM_001323418.2); c.1090G>A, p.Val364Met (NM_001323419.2); short protein forms V576M, V364M, V463M, V465M, V541M, V574M.
Identifiers: ClinVar variation 4790449 (VCV004790449.1).